The following is an entry in ClinVar:

ClinVar aggregate classification (germline): Uncertain significance. Review status: criteria provided, multiple submitters, no conflicts (2 of 4 stars). 2 submissions from 2 submitters: Uncertain significance (2). Last evaluated 2026-03-06.

Conditions:
Fanconi anemia (FA). Also called: Fanconi's anemia. Identifiers: Orphanet 84, MedGen C0015625, MeSH D005199, MONDO:0019391.
Inborn genetic diseases. Identifiers: MedGen C0950123, MeSH D030342.

gnomAD v4.1: 1 of 1,614,170 alleles (0.000062%); highest among the groups gnomAD compares: East Asian, 0.0022%; no homozygotes.

Submissions (2):

Ambry Genetics
Classification: Uncertain significance for Inborn genetic diseases. Last evaluated: 2026-03-06. Review status: criteria provided, single submitter. Criteria: Ambry Variant Classification Scheme 2023. Collection method: clinical testing. Allele origin: germline.
Comment: The p.H1355N variant (also known as c.4063C>A), located in coding exon 41 of the FANCA gene, results from a C to A substitution at nucleotide position 4063. The histidine at codon 1355 is replaced by asparagine, an amino acid with similar properties. This amino acid position is conserved. In addition, this alteration is predicted to be tolerated by in silico analysis. Based on the available evidence, the clinical significance of this variant remains unclear.

Labcorp Genetics (formerly Invitae), Labcorp
Classification: Uncertain significance for Fanconi anemia. Last evaluated: 2024-12-26. Review status: criteria provided, single submitter. Criteria: Invitae Variant Classification Sherloc (09022015). Collection method: clinical testing. Allele origin: germline.
Comment: This sequence change replaces histidine, which is basic and polar, with asparagine, which is neutral and polar, at codon 1355 of the FANCA protein (p.His1355Asn). This variant is present in population databases (no rsID available, gnomAD 0.006%). This variant has not been reported in the literature in individuals affected with FANCA-related conditions. Invitae Evidence Modeling of protein sequence and biophysical properties (such as structural, functional, and spatial information, amino acid conservation, physicochemical variation, residue mobility, and thermodynamic stability) indicates that this missense variant is not expected to disrupt FANCA protein function with a negative predictive value of 95%. In summary, the available evidence is currently insufficient to determine the role of this variant in disease. Therefore, it has been classified as a Variant of Uncertain Significance.

NM_000135.4(FANCA):c.4063C>A (p.His1355Asn)

Genes: FANCA (FA complementation group A; minus strand), ZNF276 (zinc finger protein 276; plus strand). Cytogenetic location: 16q24.3.
Variant type: single nucleotide variant.
Coding change: c.4063C>A on transcript NM_000135.4 (MANE Select); coding-DNA position 4063, C replaced by A.
Protein change: p.His1355Asn; replaces histidine 1355 with asparagine.
Molecular consequence: missense variant. On other transcripts: 3 prime UTR variant (2), non-coding transcript variant (4).
Genome position (GRCh38, 1-based): chr16:89,739,237, G>T on the plus strand (C>A on the coding strand, the complement: FANCA is on the minus strand). VCF-style: chr16-89739237-G-T. GRCh37 (hg19) VCF-style: chr16-89805645-G-T.
Other names: c.4063C>A, p.His1355Asn (NM_001286167.3); c.*991G>T (NM_001113525.2, NM_152287.4); short protein forms H1355N.
Identifiers: ClinVar variation 3720894 (VCV003720894.3).